The following is an entry in ClinVar:

NM_001267550.2(TTN):c.61445_61446del (p.Cys20482fs)

Genes: TTN (titin; minus strand), TTN-AS1 (TTN antisense RNA 1; plus strand). Cytogenetic location: 2q31.2.
Variant type: Deletion.
Coding change: c.61445_61446del on transcript NM_001267550.2 (MANE Select); coding-DNA positions 61445 to 61446, 2 bases deleted (GT; older notation c.61445_61446delGT).
Protein change: p.Cys20482fs; shifts the reading frame from cysteine 20482.
Molecular consequence: frameshift variant.
Genome position (GRCh38, 1-based): chr2:178,590,279-178,590,280, AC deleted on the plus strand (GT on the coding strand, the reverse complement: TTN is on the minus strand); deleting any 2 consecutive bases within chr2:178,590,279-178,590,281 gives the same sequence; the c. name uses the placement nearest the transcript's 3' end. VCF-style (leftmost placement, unchanged base first): chr2-178590278-GAC-G. GRCh37 (hg19) VCF-style: chr2-179455005-GAC-G.
Other names: c.56522_56523del, p.Cys18841fs (NM_001256850.1); c.34250_34251del, p.Cys11417fs (NM_003319.4); c.53741_53742del, p.Cys17914fs (NM_133378.4); c.34625_34626del, p.Cys11542fs (NM_133432.3); c.34826_34827del, p.Cys11609fs (NM_133437.4); short protein forms C11417fs, C11542fs, C11609fs, C17914fs, C18841fs, C20482fs.
Identifiers: ClinVar variation 3338398 (VCV003338398.1).

ClinVar aggregate classification (germline): Likely pathogenic (1 of 4 stars; one submission).

Conditions:
Dilated cardiomyopathy 1G (CMD1G). Identifiers: Orphanet 154, MedGen C1858763, MONDO:0011400, OMIM 604145.

Submission:

MVZ Medizinische Genetik Mainz
Classification: Likely pathogenic for Dilated cardiomyopathy 1G. Last evaluated: 2024-08-13. Review status: criteria provided, single submitter. Criteria: UK Practice Guidelines For Variant Classification V4 01 2020. Collection method: clinical testing. Allele origin: germline. Inheritance: Autosomal dominant inheritance. Affected: yes. Observed: 1 variant allele.
Comment: ACMG Criteria: PVS1,PM2_SUP